The following is an entry in ClinVar:

ClinVar aggregate classification (germline): Likely pathogenic (1 of 4 stars; one submission).

Submission:

Labcorp Genetics (formerly Invitae), Labcorp
Classification: Likely pathogenic. Last evaluated: 2022-10-15. Review status: criteria provided, single submitter. Criteria: Invitae Variant Classification Sherloc (09022015). Collection method: clinical testing. Allele origin: germline.
Comment: In summary, the currently available evidence indicates that the variant is pathogenic, but additional data are needed to prove that conclusively. Therefore, this variant has been classified as Likely Pathogenic. Advanced modeling of protein sequence and biophysical properties (such as structural, functional, and spatial information, amino acid conservation, physicochemical variation, residue mobility, and thermodynamic stability) has been performed at Invitae for this missense variant, however the output from this modeling did not meet the statistical confidence thresholds required to predict the impact of this variant on SCN3A protein function. ClinVar contains an entry for this variant (Variation ID: 961565). This missense change has been observed in individual(s) with infantile epileptic encephalopathies (Invitae). In at least one individual the variant was observed to be de novo. This variant is not present in population databases (gnomAD no frequency). This sequence change replaces methionine, which is neutral and non-polar, with threonine, which is neutral and polar, at codon 1874 of the SCN3A protein (p.Met1874Thr).

NM_006922.4(SCN3A):c.5621T>C (p.Met1874Thr)

Gene: SCN3A (sodium voltage-gated channel alpha subunit 3; minus strand). Cytogenetic location: 2q24.3.
Variant type: single nucleotide variant.
Coding change: c.5621T>C on transcript NM_006922.4 (MANE Select); coding-DNA position 5621, T replaced by C.
Protein change: p.Met1874Thr; replaces methionine 1874 with threonine.
Molecular consequence: missense variant.
Genome position (GRCh38, 1-based): chr2:165,090,532, A>G on the plus strand (T>C on the coding strand, the complement: SCN3A is on the minus strand). VCF-style: chr2-165090532-A-G. GRCh37 (hg19) VCF-style: chr2-165947042-A-G.
Other names: c.5474T>C, p.Met1825Thr (NM_001081676.2, NM_001081677.2); short protein forms M1825T, M1874T.
Identifiers: ClinVar variation 961565 (VCV000961565.9), dbSNP rs1685039783, ClinGen allele CA349010867.